The following is an entry in ClinVar:

ClinVar aggregate classification (germline): Uncertain significance (1 of 4 stars; one submission).

Conditions:
Acute myeloid leukemia (AML). Also called: Acute myeloid leukemia, adult; AML adult; Acute non-lymphocytic leukemia; Acute granulocytic leukemia; Leukemia, acute myeloid, somatic; Leukemia, acute myelogenous, somatic. Identifiers: Orphanet 519, MedGen C0023467, MeSH D015470, MONDO:0018874, OMIM 601626, HP:0004808. Disease mechanism: Constitutively activated FLT3.

gnomAD v4.1: 1 of 1,612,850 alleles (0.000062%); highest among the groups gnomAD compares: Admixed American, 0.0017%; no homozygotes.

Submission:

Institute of Human Genetics, University of Leipzig Medical Center
Classification: Uncertain significance for Acute myeloid leukemia. Last evaluated: 2025-09-29. Review status: criteria provided, single submitter. Criteria: ACMG Guidelines, 2015. Collection method: clinical testing. Allele origin: unknown. Inheritance: Autosomal dominant inheritance. Affected: yes.
Comment: Criteria applied: PM2_SUP,PP3

NM_022552.5(DNMT3A):c.2477A>C (p.Lys826Thr)

Gene: DNMT3A (DNA methyltransferase 3 alpha; minus strand). Cytogenetic location: 2p23.3.
Variant type: single nucleotide variant.
Coding change: c.2477A>C on transcript NM_022552.5 (MANE Select); coding-DNA position 2477, A replaced by C.
Protein change: p.Lys826Thr; replaces lysine 826 with threonine.
Molecular consequence: missense variant. On other transcripts: non-coding transcript variant (1).
Genome position (GRCh38, 1-based): chr2:25,236,937, T>G on the plus strand (A>C on the coding strand, the complement: DNMT3A is on the minus strand). VCF-style: chr2-25236937-T-G. GRCh37 (hg19) VCF-style: chr2-25459806-T-G.
Other names: c.2021A>C, p.Lys674Thr (NM_001320893.1); c.1808A>C, p.Lys603Thr (NM_001375819.1); c.1910A>C, p.Lys637Thr (NM_153759.3); c.2477A>C, p.Lys826Thr (NM_175629.2); short protein forms K603T, K637T, K674T, K826T.
Identifiers: ClinVar variation 4291097 (VCV004291097.1).
Genomic context (GRCh38, chr2:25,236,937, plus strand): 5'-CTCATCCTGCCCTTCCTTCTCCCTGCCCCCCAGCAGAGGTTCTAGACGCTGGAGCTGACC[T>G]TGGCTATCCTGCCATGCTCCAGACACTCCTGCAGCTCCAGCTTATCATTCACAGTGGATG-3'
Protein context (NP_072046.2, residues 816-836): QECLEHGRIA[Lys826Thr]FSKVRTITTR